The following is an entry in ClinVar:

ClinVar aggregate classification (germline): Conflicting classifications of pathogenicity. Review status: criteria provided, conflicting classifications (1 of 4 stars). 5 submissions from 5 submitters: Uncertain significance (3); Likely benign (1). 1 of the submissions does not count toward it. Last evaluated 2025-12-15.

Conditions:
Inborn genetic diseases. Identifiers: MedGen C0950123, MeSH D030342.
Retinitis pigmentosa (RP). Identifiers: Orphanet 791, MedGen C0035334, MeSH D012174, MONDO:0019200, OMIM 268000. Inheritance: Autosomal dominant, autosomal recessive and X linked inheritance.
Retinal dystrophy. Also called: Inherited retinal dystrophy. Identifiers: Orphanet 71862, MedGen C0854723, MeSH D058499, MONDO:0019118, HP:0000556.

Allele frequency attached by ClinVar (database versions not stated): gnomAD exomes 0.00004 and 0.00006; gnomAD 0.00005; TOPMed 0.00005; ExAC 0.00008; ESP Exome Variant Server 0.00008.

Submissions (5):

Labcorp Genetics (formerly Invitae), Labcorp
Classification: Uncertain significance. Last evaluated: 2025-12-15. Review status: criteria provided, single submitter. Criteria: Invitae Variant Classification Sherloc (09022015). Collection method: clinical testing. Allele origin: germline.
Comment: This sequence change replaces proline, which is neutral and non-polar, with threonine, which is neutral and polar, at codon 239 of the TOPORS protein (p.Pro239Thr). This variant is present in population databases (rs373410505, gnomAD 0.01%). This variant has not been reported in the literature in individuals affected with TOPORS-related conditions. ClinVar contains an entry for this variant (Variation ID: 913833). An algorithm developed to predict the effect of missense changes on protein structure and function outputs the following: PolyPhen-2: "Benign". The threonine amino acid residue is found in multiple mammalian species, which suggests that this missense change does not adversely affect protein function. In summary, the available evidence is currently insufficient to determine the role of this variant in disease. Therefore, it has been classified as a Variant of Uncertain Significance.

Ambry Genetics
Classification: Uncertain significance for Inborn genetic diseases. Last evaluated: 2025-08-28. Review status: criteria provided, single submitter. Criteria: Ambry Variant Classification Scheme 2023. Collection method: clinical testing. Allele origin: germline.

Blueprint Genetics
Classification: Likely benign. Last evaluated: 2024-08-29. Review status: criteria provided, single submitter. Criteria: ACMG Guidelines, 2015. Collection method: clinical testing. Allele origin: germline.

Illumina Laboratory Services, Illumina
Classification: Uncertain significance for Retinitis pigmentosa. Last evaluated: 2018-01-13. Review status: criteria provided, single submitter. Criteria: ICSL Variant Classification Criteria 13 December 2019. Collection method: clinical testing. Allele origin: germline.

Institute of Human Genetics, Univ. Regensburg, Univ. Regensburg
Classification: Uncertain significance for Retinal dystrophy. Last evaluated: 2021-01-01. Review status: no assertion criteria provided. Criteria: ACMG Guidelines, 2015. Collection method: clinical testing. Allele origin: germline. Affected: yes. Not counted in ClinVar's aggregate classification.

NM_005802.5(TOPORS):c.715C>A (p.Pro239Thr)

Gene: TOPORS (TOP1 binding arginine/serine rich protein, E3 ubiquitin ligase; minus strand). Cytogenetic location: 9p21.1.
Variant type: single nucleotide variant.
Coding change: c.715C>A on transcript NM_005802.5 (MANE Select); coding-DNA position 715, C replaced by A.
Protein change: p.Pro239Thr; replaces proline 239 with threonine.
Molecular consequence: missense variant.
Genome position (GRCh38, 1-based): chr9:32,543,810, G>T on the plus strand (C>A on the coding strand, the complement: TOPORS is on the minus strand). VCF-style: chr9-32543810-G-T. GRCh37 (hg19) VCF-style: chr9-32543808-G-T.
Other names: c.520C>A, p.Pro174Thr (NM_001195622.2); short protein forms P174T, P239T.
Identifiers: ClinVar variation 913833 (VCV000913833.17), dbSNP rs373410505, ClinGen allele CA5020608.
Genomic context (GRCh38, chr9:32,543,810, plus strand): 5'-TAAAATTAATAATATCTTGTTCTTGAATTTTCCGCAAAGATCTTTCATCTGCCGTAGTTG[G>T]CCTCCTTACTGCAATCTGTCTCATAAACTGAGGAATTTCAACATCTCTAGGTCTTGTTGA-3'
Protein context (NP_005793.2, residues 229-249): QFMRQIAVRR[Pro239Thr]TTADERSLRK